The following is an entry in ClinVar:

GRCh37/hg19 1q21.1-21.2(chr1:146096700-147929323)x1

Genes: ACP6 (acid phosphatase 6, lysophosphatidic; minus strand), BCL9 (BCL9 transcription coactivator; plus strand), CHD1L (chromodomain helicase DNA binding protein 1 like; plus strand), FMO5 (flavin containing dimethylaniline monoxygenase 5; minus strand), GJA5 (gap junction protein alpha 5; minus strand) and 4 more. Cytogenetic location: 1q21.1-21.2.
Variant type: copy number loss.
Change: copy number 1 (one copy instead of two) of chr1:146,096,700-147,929,323 (1.83 Mb, GRCh37 coordinates, 1-based), cytogenetic band 1q21.1-21.2.
Identifiers: ClinVar variation 980947 (VCV000980947.2).

ClinVar aggregate classification (germline): Pathogenic (1 of 4 stars; one submission).

Submission:

Quest Diagnostics Nichols Institute San Juan Capistrano
Classification: Pathogenic. Last evaluated: 2022-09-01. Review status: criteria provided, single submitter. Criteria: ACMG/ClinGen CNV Guidelines, 2019. Collection method: clinical testing. Allele origin: unknown.
Comment: This copy number loss involves multiple genes, and is associated with the 1q21.1 deletion syndrome (OMIM 612474). Inheritance from a normal or mildly affected parent has been reported, suggesting incomplete penetrance and variable expressivity. See GeneReviews for additional information and references.